The following is an entry in ClinVar:

NM_198859.4(PRICKLE2):c.589G>A (p.Ala197Thr)

Gene: PRICKLE2 (prickle planar cell polarity protein 2; minus strand). Cytogenetic location: 3p14.1.
Variant type: single nucleotide variant.
Coding change: c.589G>A on transcript NM_198859.4 (MANE Select); coding-DNA position 589, G replaced by A.
Protein change: p.Ala197Thr; replaces alanine 197 with threonine.
Molecular consequence: missense variant.
Genome position (GRCh38, 1-based): chr3:64,157,173, C>T on the plus strand (G>A on the coding strand, the complement: PRICKLE2 is on the minus strand). VCF-style: chr3-64157173-C-T. GRCh37 (hg19) VCF-style: chr3-64142849-C-T.
Other names: c.589G>A, p.Ala197Thr (NM_001370528.1); short protein forms A197T.
Identifiers: ClinVar variation 1442901 (VCV001442901.6), dbSNP rs2107034360, ClinGen allele CA353434853.

ClinVar aggregate classification (germline): Uncertain significance (1 of 4 stars; one submission).

Conditions:
Progressive myoclonic epilepsy type 5. Identifiers: Orphanet 402082, MedGen C5190799.

Submission:

Labcorp Genetics (formerly Invitae), Labcorp
Classification: Uncertain significance for Progressive myoclonic epilepsy type 5. Last evaluated: 2024-08-12. Review status: criteria provided, single submitter. Criteria: Invitae Variant Classification Sherloc (09022015). Collection method: clinical testing. Allele origin: germline.
Comment: This sequence change replaces alanine, which is neutral and non-polar, with threonine, which is neutral and polar, at codon 197 of the PRICKLE2 protein (p.Ala197Thr). This variant is not present in population databases (gnomAD no frequency). This variant has not been reported in the literature in individuals affected with PRICKLE2-related conditions. ClinVar contains an entry for this variant (Variation ID: 1442901). Advanced modeling of protein sequence and biophysical properties (such as structural, functional, and spatial information, amino acid conservation, physicochemical variation, residue mobility, and thermodynamic stability) performed at Invitae indicates that this missense variant is expected to disrupt PRICKLE2 protein function with a positive predictive value of 80%. In summary, the available evidence is currently insufficient to determine the role of this variant in disease. Therefore, it has been classified as a Variant of Uncertain Significance.